The following is an entry in ClinVar:

NM_003922.4(HERC1):c.3171A>G (p.Ser1057=)

Gene: HERC1 (HECT and RLD domain containing E3 ubiquitin protein ligase family member 1; minus strand). Cytogenetic location: 15q22.31.
Variant type: single nucleotide variant.
Coding change: c.3171A>G on transcript NM_003922.4 (MANE Select); coding-DNA position 3171, A replaced by G.
Protein change: p.Ser1057=; no amino-acid change (serine 1057 retained).
Molecular consequence: synonymous variant.
Genome position (GRCh38, 1-based): chr15:63,727,822, T>C on the plus strand (A>G on the coding strand, the complement: HERC1 is on the minus strand). VCF-style: chr15-63727822-T-C. GRCh37 (hg19) VCF-style: chr15-64020021-T-C.
Identifiers: ClinVar variation 2645439 (VCV002645439.24), dbSNP rs895086323, ClinGen allele CA272111007.

ClinVar aggregate classification (germline): Likely benign (1 of 4 stars; one submission).

Allele frequency attached by ClinVar (database versions not stated): gnomAD 0.00002; TOPMed 0.00002.
gnomAD v4.1: 5 of 1,613,518 alleles (0.00031%); highest among the groups gnomAD compares: African/African-American, 0.0067%; no homozygotes.

Submission:

CeGaT Center for Human Genetics Tuebingen
Classification: Likely benign. Last evaluated: 2023-05-01. Review status: criteria provided, single submitter. Criteria: CeGaT Center For Human Genetics Tuebingen Variant Classification Criteria Version 2. Collection method: clinical testing. Allele origin: germline. Affected: yes. Observed: 1 variant allele.
Comment: HERC1: BP4, BP7